The following is an entry in ClinVar:

NM_001166114.2(PNPLA6):c.19G>A (p.Gly7Arg)

Gene: PNPLA6 (patatin like domain 6, lysophospholipase; plus strand). Cytogenetic location: 19p13.2.
Variant type: single nucleotide variant.
Coding change: c.19G>A on transcript NM_001166114.2 (MANE Select); coding-DNA position 19, G replaced by A.
Protein change: p.Gly7Arg; replaces glycine 7 with arginine.
Molecular consequence: missense variant. On other transcripts: intron variant (3).
Genome position (GRCh38, 1-based): chr19:7,535,807, G>A. VCF-style: chr19-7535807-G-A. GRCh37 (hg19) VCF-style: chr19-7600693-G-A.
Other names: c.46G>A, p.Gly16Arg (NM_001166111.2); c.28-126G>A (NM_006702.5, NM_001166112.2, NM_001166113.1); short protein forms G16R, G7R.
Identifiers: ClinVar variation 3373653 (VCV003373653.2).

ClinVar aggregate classification (germline): Conflicting classifications of pathogenicity. Review status: criteria provided, conflicting classifications (1 of 4 stars). 2 submissions from 2 submitters: Uncertain significance (1); Likely benign (1). Last evaluated 2024-03-06.

Submissions (2):

GeneDx
Classification: Uncertain significance. Last evaluated: 2024-03-06. Review status: criteria provided, single submitter. Criteria: GeneDx Variant Classification Process June 2021. Collection method: clinical testing. Allele origin: germline. Affected: yes.
Comment: Reported using an alternate transcript of the gene; Not observed at significant frequency in large population cohorts (gnomAD); In silico analysis supports that this variant does not alter splicing; Has not been previously published as pathogenic or benign to our knowledge

Blueprint Genetics
Classification: Likely benign. Last evaluated: 2024-02-20. Review status: criteria provided, single submitter. Criteria: ACMG Guidelines, 2015. Collection method: clinical testing. Allele origin: germline.